The following is an entry in ClinVar:

ClinVar aggregate classification (germline): Uncertain significance. Review status: criteria provided, multiple submitters, no conflicts (2 of 4 stars). 4 submissions from 4 submitters: Uncertain significance (4). Last evaluated 2026-01-27.

Conditions:
Hereditary cancer-predisposing syndrome. Also called: Neoplastic Syndromes, Hereditary; Tumor predisposition; Hereditary Cancer Syndrome; Hereditary neoplastic syndrome. Identifiers: Orphanet 140162, MedGen C0027672, MeSH D009386, MONDO:0015356.
Renal cell carcinoma. Identifiers: Orphanet 217071, MedGen C0007134, MeSH D002292, MONDO:0005086, HP:0005584.
Autosomal recessive nonsyndromic hearing loss 97. Also called: Deafness, autosomal recessive 97. Identifiers: Orphanet 90636, MedGen C4084709, MONDO:0014739, OMIM 616705.

Allele frequency attached by ClinVar (database versions not stated): gnomAD exomes below 0.00001; ExAC 0.00001; TOPMed 0.00001; gnomAD 0.00004 and 0.00005.
gnomAD v4.1: 8 of 1,613,750 alleles (0.0005%); highest among the groups gnomAD compares: African/African-American, 0.011%; no homozygotes.

Submissions (4):

Labcorp Genetics (formerly Invitae), Labcorp
Classification: Uncertain significance for Renal cell carcinoma. Last evaluated: 2026-01-27. Review status: criteria provided, single submitter. Criteria: Invitae Variant Classification Sherloc (09022015). Collection method: clinical testing. Allele origin: germline.
Comment: This sequence change replaces serine, which is neutral and polar, with glycine, which is neutral and non-polar, at codon 705 of the MET protein (p.Ser705Gly). The frequency data for this variant in the population databases is considered unreliable, as metrics indicate poor data quality at this position in the gnomAD database. This variant has not been reported in the literature in individuals affected with MET-related conditions. ClinVar contains an entry for this variant (Variation ID: 820746). Invitae Evidence Modeling of protein sequence and biophysical properties (such as structural, functional, and spatial information, amino acid conservation, physicochemical variation, residue mobility, and thermodynamic stability) indicates that this missense variant is not expected to disrupt MET protein function with a negative predictive value of 80%. In summary, the available evidence is currently insufficient to determine the role of this variant in disease. Therefore, it has been classified as a Variant of Uncertain Significance.

Ambry Genetics
Classification: Uncertain significance for Hereditary cancer-predisposing syndrome. Last evaluated: 2025-04-03. Review status: criteria provided, single submitter. Criteria: Ambry Variant Classification Scheme 2023. Collection method: clinical testing. Allele origin: germline.
Comment: The p.S705G variant (also known as c.2113A>G), located in coding exon 8 of the MET gene, results from an A to G substitution at nucleotide position 2113. The serine at codon 705 is replaced by glycine, an amino acid with similar properties. This amino acid position is well conserved in available vertebrate species. In addition, this alteration is predicted to be tolerated by in silico analysis. Since supporting evidence is limited at this time, the clinical significance of this alteration remains unclear.

Baylor Genetics
Classification: Uncertain significance for Autosomal recessive nonsyndromic hearing loss 97. Last evaluated: 2023-06-30. Review status: criteria provided, single submitter. Criteria: ACMG Guidelines, 2015. Collection method: clinical testing. Allele origin: unknown.

GeneDx
Classification: Uncertain significance. Last evaluated: 2022-09-28. Review status: criteria provided, single submitter. Criteria: GeneDx Variant Classification Process June 2021. Collection method: clinical testing. Allele origin: germline. Affected: yes.
Comment: Not observed at significant frequency in large population cohorts (gnomAD); In silico analysis supports that this missense variant does not alter protein structure/function; Has not been previously published as pathogenic or benign to our knowledge

NM_000245.4(MET):c.2113A>G (p.Ser705Gly)

Gene: MET (MET proto-oncogene, receptor tyrosine kinase; plus strand). Cytogenetic location: 7q31.2.
Variant type: single nucleotide variant.
Coding change: c.2113A>G on transcript NM_000245.4 (MANE Select); coding-DNA position 2113, A replaced by G.
Protein change: p.Ser705Gly; replaces serine 705 with glycine.
Molecular consequence: missense variant.
Genome position (GRCh38, 1-based): chr7:116,758,469, A>G. VCF-style: chr7-116758469-A-G. GRCh37 (hg19) VCF-style: chr7-116398523-A-G.
Other names: c.2113A>G, p.Ser705Gly (NM_001127500.3, NM_001324401.3); c.823A>G, p.Ser275Gly (NM_001324402.2); short protein forms S705G, S275G.
Identifiers: ClinVar variation 820746 (VCV000820746.17), dbSNP rs781110968, ClinGen allele CA4448411.